The following is an entry in ClinVar:

ClinVar aggregate classification (germline): Uncertain significance (1 of 4 stars; one submission).

Submission:

Women's Health and Genetics/Laboratory Corporation of America, LabCorp
Classification: Uncertain significance. Last evaluated: 2024-11-11. Review status: criteria provided, single submitter. Criteria: LabCorp Variant Classification Summary - May 2015. Collection method: clinical testing. Allele origin: germline.
Comment: Variant summary: DLL1 c.352-4C>A alters a non-conserved nucleotide located close to a canonical splice site and therefore could affect mRNA splicing, leading to a significantly altered protein sequence. Consensus agreement among computation tools predict no significant impact on normal splicing. However, these predictions have yet to be confirmed by functional studies. The variant was absent in 251486 control chromosomes. The available data on variant occurrences in the general population are insufficient to allow any conclusion about variant significance. To our knowledge, no occurrence of c.352-4C>A in individuals affected with Neurodevelopmental Disorder With Nonspecific Brain Abnormalities And With Or Without Seizures and no experimental evidence demonstrating its impact on protein function have been reported. No submitters have cited clinical-significance assessments for this variant to ClinVar. Based on the evidence outlined above, the variant was classified as uncertain significance.

NM_005618.4(DLL1):c.352-4C>A

Gene: DLL1 (delta like canonical Notch ligand 1; minus strand). Cytogenetic location: 6q27.
Variant type: single nucleotide variant.
Coding change: c.352-4C>A on transcript NM_005618.4 (MANE Select); 4 bases into the intron before coding-DNA position 352, C replaced by A.
Molecular consequence: intron variant.
Genome position (GRCh38, 1-based): chr6:170,288,793, G>T on the plus strand (C>A on the coding strand, the complement: DLL1 is on the minus strand). VCF-style: chr6-170288793-G-T. GRCh37 (hg19) VCF-style: chr6-170597881-G-T.
Identifiers: ClinVar variation 3629735 (VCV003629735.1).